The following is an entry in ClinVar:

NM_001606.5(ABCA2):c.5126C>T (p.Ala1709Val)

Gene: ABCA2 (ATP binding cassette subfamily A member 2; minus strand). Cytogenetic location: 9q34.3.
Variant type: single nucleotide variant.
Coding change: c.5126C>T on transcript NM_001606.5 (MANE Select); coding-DNA position 5126, C replaced by T.
Protein change: p.Ala1709Val; replaces alanine 1709 with valine.
Molecular consequence: missense variant.
Genome position (GRCh38, 1-based): chr9:137,012,546, G>A on the plus strand (C>T on the coding strand, the complement: ABCA2 is on the minus strand). VCF-style: chr9-137012546-G-A. GRCh37 (hg19) VCF-style: chr9-139906998-G-A.
Other names: c.5123C>T, p.Ala1708Val (NM_001411042.1); c.5216C>T, p.Ala1739Val (NM_212533.3); short protein forms A1708V, A1709V, A1739V.
Identifiers: ClinVar variation 3041628 (VCV003041628.2), dbSNP rs1247035088, ClinGen allele CA375662416.
Genomic context (GRCh38, chr9:137,012,546, plus strand): 5'-TGGGCAGCCCTGCGCACCGCGATCTTCCGCACCATGGGTGGGGCCCTGGTGCCAAATGAG[G>A]CTGGGATGGACTTCAGGACGTTTCCAAAGGTGATGGCCCCATACCTGGGCAGGCAGGTGG-3'
Protein context (NP_001597.2, residues 1699-1719): TFGNVLKSIP[Ala1709Val]SFGTRAPPMV

ClinVar aggregate classification (germline): Uncertain significance (0 of 4 stars; one submission).

Conditions:
ABCA2-related disorder. Also called: ABCA2-related condition.

gnomAD v4.1: 8 of 1,612,076 alleles (0.0005%); highest among the groups gnomAD compares: East Asian, 0.018%; no homozygotes.

Submission:

PreventionGenetics, part of Exact Sciences
Classification: Uncertain significance for ABCA2-related condition. Last evaluated: 2023-12-13. Review status: no assertion criteria provided. Collection method: clinical testing. Allele origin: germline.
Comment: The ABCA2 c.5216C>T variant is predicted to result in the amino acid substitution p.Ala1739Val. To our knowledge, this variant has not been reported in the literature. This variant is reported in 0.039% of alleles in individuals of East Asian descent in gnomAD. At this time, the clinical significance of this variant is uncertain due to the absence of conclusive functional and genetic evidence.